The following is an entry in ClinVar:

NM_001134363.3(RBM20):c.5T>C (p.Val2Ala)

Gene: RBM20 (RNA binding motif protein 20; plus strand). Cytogenetic location: 10q25.2.
Variant type: single nucleotide variant.
Coding change: c.5T>C on transcript NM_001134363.3 (MANE Select); coding-DNA position 5, T replaced by C.
Protein change: p.Val2Ala; replaces valine 2 with alanine.
Molecular consequence: missense variant.
Genome position (GRCh38, 1-based): chr10:110,644,459, T>C. VCF-style: chr10-110644459-T-C. GRCh37 (hg19) VCF-style: chr10-112404217-T-C.
Other names: short protein forms V2A.
Identifiers: ClinVar variation 836204 (VCV000836204.12), dbSNP rs996172004, ClinGen allele CA213903184.

ClinVar aggregate classification (germline): Uncertain significance. Review status: criteria provided, multiple submitters, no conflicts (2 of 4 stars). 4 submissions from 4 submitters: Uncertain significance (4). Last evaluated 2025-09-18.

Conditions:
Cardiovascular phenotype. Identifiers: MedGen CN230736.
Cardiomyopathy (CMYO). Also called: Cardiomyopathies. Identifiers: Orphanet 167848, MedGen C0878544, MONDO:0004994, HP:0001638. Inheritance: Various modes of inheritance.
Dilated cardiomyopathy 1DD (CMD1DD). Identifiers: Orphanet 154, MedGen C2750995, MONDO:0013168, OMIM 613172.

Allele frequency attached by ClinVar (database versions not stated): gnomAD 0.00002 and 0.00003; gnomAD exomes 0.00002; TOPMed 0.00002.
gnomAD v4.1: 36 of 1,510,190 alleles (0.0024%); highest among the groups gnomAD compares: Non-Finnish European, 0.0029%; no homozygotes.

Submissions (4):

Ambry Genetics
Classification: Uncertain significance for Cardiovascular phenotype. Last evaluated: 2025-09-18. Review status: criteria provided, single submitter. Criteria: Ambry Variant Classification Scheme 2023. Collection method: clinical testing. Allele origin: germline.
Comment: The p.V2A variant (also known as c.5T>C), located in coding exon 1 of the RBM20 gene, results from a T to C substitution at nucleotide position 5. The valine at codon 2 is replaced by alanine, an amino acid with similar properties. This amino acid position is conserved. In addition, the in silico prediction for this alteration is inconclusive. Based on the available evidence, the clinical significance of this variant remains unclear.

Labcorp Genetics (formerly Invitae), Labcorp
Classification: Uncertain significance for Dilated cardiomyopathy 1DD. Last evaluated: 2025-04-08. Review status: criteria provided, single submitter. Criteria: Invitae Variant Classification Sherloc (09022015). Collection method: clinical testing. Allele origin: germline.
Comment: This sequence change replaces valine, which is neutral and non-polar, with alanine, which is neutral and non-polar, at codon 2 of the RBM20 protein (p.Val2Ala). This variant is not present in population databases (gnomAD no frequency). This variant has not been reported in the literature in individuals affected with RBM20-related conditions. ClinVar contains an entry for this variant (Variation ID: 836204). Invitae Evidence Modeling of protein sequence and biophysical properties (such as structural, functional, and spatial information, amino acid conservation, physicochemical variation, residue mobility, and thermodynamic stability) indicates that this missense variant is not expected to disrupt RBM20 protein function with a negative predictive value of 95%. In summary, the available evidence is currently insufficient to determine the role of this variant in disease. Therefore, it has been classified as a Variant of Uncertain Significance.

CHEO Genetics Diagnostic Laboratory, Children's Hospital of Eastern Ontario
Classification: Uncertain significance for Cardiomyopathy. Last evaluated: 2022-08-03. Review status: criteria provided, single submitter. Criteria: ACMG Guidelines, 2015. Collection method: clinical testing. Allele origin: germline.

GeneDx
Classification: Uncertain significance. Last evaluated: 2022-04-21. Review status: criteria provided, single submitter. Criteria: GeneDx Variant Classification Process June 2021. Collection method: clinical testing. Allele origin: germline. Affected: yes.
Comment: Not observed at significant frequency in large population cohorts (gnomAD); In silico analysis supports that this missense variant does not alter protein structure/function; Has not been previously published as pathogenic or benign to our knowledge